The following is an entry in ClinVar:

NM_006009.4(TUBA1A):c.893C>T (p.Pro298Leu)

Gene: TUBA1A (tubulin alpha 1a; minus strand). Cytogenetic location: 12q13.12.
Variant type: single nucleotide variant.
Coding change: c.893C>T on transcript NM_006009.4 (MANE Select); coding-DNA position 893, C replaced by T.
Protein change: p.Pro298Leu; replaces proline 298 with leucine.
Molecular consequence: missense variant.
Genome position (GRCh38, 1-based): chr12:49,185,473, G>A on the plus strand (C>T on the coding strand, the complement: TUBA1A is on the minus strand). VCF-style: chr12-49185473-G-A. GRCh37 (hg19) VCF-style: chr12-49579256-G-A.
Other names: c.893C>T, p.Pro298Leu (NM_001270399.2); c.788C>T, p.Pro263Leu (NM_001270400.2); short protein forms P263L, P298L.
Identifiers: ClinVar variation 4795427 (VCV004795427.1).

ClinVar aggregate classification (germline): Pathogenic (1 of 4 stars; one submission).

Submission:

GeneDx
Classification: Pathogenic. Last evaluated: 2025-08-15. Review status: criteria provided, single submitter. Criteria: GeneDx Variant Classification Process June 2021. Collection method: clinical testing. Allele origin: germline. Affected: yes.
Comment: Missense variants in this gene are a common cause of disease and they are underrepresented in the general population; Not observed at significant frequency in large population cohorts (gnomAD); In silico analysis supports that this missense variant has a deleterious effect on protein structure/function; Has not been previously published as pathogenic or benign to our knowledge